The following is an entry in ClinVar:

NM_182916.3(TRNT1):c.208T>G (p.Leu70Val)

Gene: TRNT1 (tRNA nucleotidyl transferase 1; plus strand). Cytogenetic location: 3p26.2.
Variant type: single nucleotide variant.
Coding change: c.208T>G on transcript NM_182916.3 (MANE Select); coding-DNA position 208, T replaced by G.
Protein change: p.Leu70Val; replaces leucine 70 with valine.
Molecular consequence: missense variant. On other transcripts: non-coding transcript variant (8).
Genome position (GRCh38, 1-based): chr3:3,137,319, T>G. VCF-style: chr3-3137319-T-G. GRCh37 (hg19) VCF-style: chr3-3179003-T-G.
Other names: c.208T>G, p.Leu70Val (NM_001302946.2, NM_001367321.1, NM_001367322.1 and 1 more transcripts); c.208T>G (NM_182916.2); short protein forms L70V.
Identifiers: ClinVar variation 1053449 (VCV001053449.3), dbSNP rs1705387323, ClinGen allele CA351443045.

ClinVar aggregate classification (germline): Uncertain significance. Review status: criteria provided, multiple submitters, no conflicts (2 of 4 stars). 2 submissions from 2 submitters: Uncertain significance (2). Last evaluated 2025-04-08.

Conditions:
Inborn genetic diseases. Identifiers: MedGen C0950123, MeSH D030342.
Congenital sideroblastic anemia-B-cell immunodeficiency-periodic fever-developmental delay syndrome. Also called: Sideroblastic anemia with B-cell immunodeficiency, periodic fevers, and developmental delay. Identifiers: Orphanet 369861, MedGen C4015172, MONDO:0014487, OMIM 616084.

Allele frequency attached by ClinVar (database versions not stated): gnomAD exomes 0.00001.
gnomAD v4.1: 10 of 1,612,960 alleles (0.00062%); highest among the groups gnomAD compares: Non-Finnish European, 0.00085%; no homozygotes.

Submissions (2):

Ambry Genetics
Classification: Uncertain significance for Inborn genetic diseases. Last evaluated: 2025-04-08. Review status: criteria provided, single submitter. Criteria: Ambry Variant Classification Scheme 2023. Collection method: clinical testing. Allele origin: germline.

Labcorp Genetics (formerly Invitae), Labcorp
Classification: Uncertain significance for Congenital sideroblastic anemia-B-cell immunodeficiency-periodic fever-developmental delay syndrome. Last evaluated: 2021-09-01. Review status: criteria provided, single submitter. Criteria: Invitae Variant Classification Sherloc (09022015). Collection method: clinical testing. Allele origin: germline.
Comment: This sequence change replaces leucine with valine at codon 70 of the TRNT1 protein (p.Leu70Val). The leucine residue is highly conserved and there is a small physicochemical difference between leucine and valine. This variant is not present in population databases (ExAC no frequency). This variant has not been reported in the literature in individuals affected with TRNT1-related conditions. Algorithms developed to predict the effect of missense changes on protein structure and function are either unavailable or do not agree on the potential impact of this missense change (SIFT: "Deleterious"; PolyPhen-2: "Probably Damaging"; Align-GVGD: "Class C0"). In summary, the available evidence is currently insufficient to determine the role of this variant in disease. Therefore, it has been classified as a Variant of Uncertain Significance.